The following is an entry in ClinVar:

ClinVar aggregate classification (germline): Uncertain significance. Review status: criteria provided, multiple submitters, no conflicts (2 of 4 stars). 3 submissions from 3 submitters: Uncertain significance (3). Last evaluated 2023-04-11.

Conditions:
Developmental and epileptic encephalopathy, 23 (DEE23). Also called: Epileptic encephalopathy, early infantile, 23. Identifiers: Orphanet 411986, MedGen C4014492, MONDO:0014371, OMIM 615859.

Allele frequency attached by ClinVar (database versions not stated): TOPMed below 0.00001; gnomAD 0.00001; ExAC 0.00002; gnomAD exomes 0.00002 and 0.00003.
gnomAD v4.1: 43 of 1,613,986 alleles (0.0027%); highest among the groups gnomAD compares: Non-Finnish European, 0.0033%; no homozygotes.

Submissions (3):

Genome-Nilou Lab
Classification: Uncertain significance for Developmental and epileptic encephalopathy, 23. Last evaluated: 2023-04-11. Review status: criteria provided, single submitter. Criteria: ACMG Guidelines, 2015. Collection method: clinical testing. Allele origin: germline. Affected: no.

CeGaT Center for Human Genetics Tuebingen
Classification: Uncertain significance. Last evaluated: 2023-03-01. Review status: criteria provided, single submitter. Criteria: CeGaT Center For Human Genetics Tuebingen Variant Classification Criteria Version 2. Collection method: clinical testing. Allele origin: germline. Affected: yes. Observed: 1 variant allele.
Comment: DOCK7: PP2

Labcorp Genetics (formerly Invitae), Labcorp
Classification: Uncertain significance for Developmental and epileptic encephalopathy, 23. Last evaluated: 2021-09-01. Review status: criteria provided, single submitter. Criteria: Invitae Variant Classification Sherloc (09022015). Collection method: clinical testing. Allele origin: germline.

NM_001367561.1(DOCK7):c.5810A>G (p.Asn1937Ser)

Gene: DOCK7 (dedicator of cytokinesis 7; minus strand). Cytogenetic location: 1p31.3.
Variant type: single nucleotide variant.
Coding change: c.5810A>G on transcript NM_001367561.1 (MANE Select); coding-DNA position 5810, A replaced by G.
Protein change: p.Asn1937Ser; replaces asparagine 1937 with serine.
Molecular consequence: missense variant.
Genome position (GRCh38, 1-based): chr1:62,475,858, T>C on the plus strand (A>G on the coding strand, the complement: DOCK7 is on the minus strand). VCF-style: chr1-62475858-T-C. GRCh37 (hg19) VCF-style: chr1-62941529-T-C.
Other names: c.5777A>G, p.Asn1926Ser (NM_001271999.2); c.5690A>G, p.Asn1897Ser (NM_001272000.2); c.5684A>G, p.Asn1895Ser (NM_001272001.2); c.5783A>G, p.Asn1928Ser (NM_001330614.2); c.5717A>G, p.Asn1906Ser (NM_033407.4); short protein forms N1895S, N1897S, N1906S, N1926S, N1928S, N1937S.
Identifiers: ClinVar variation 1061727 (VCV001061727.32), dbSNP rs764578433, ClinGen allele CA885349.